The following is an entry in ClinVar:

ClinVar aggregate classification (germline): Conflicting classifications of pathogenicity. Review status: criteria provided, conflicting classifications (1 of 4 stars). 11 submissions from 11 submitters: Uncertain significance (9); Likely benign (1). 1 of the submissions does not count toward it. Last evaluated 2026-10-01.

Conditions:
Classic or attenuated familial adenomatous polyposis. Identifiers: MedGen CN372698, MONDO:0021057.
Hereditary cancer-predisposing syndrome. Also called: Hereditary neoplastic syndrome; Tumor predisposition; Neoplastic Syndromes, Hereditary; Hereditary Cancer Syndrome. Identifiers: Orphanet 140162, MedGen C0027672, MeSH D009386, MONDO:0015356.
Familial adenomatous polyposis 1 (FAP1). Also called: FAMILIAL ADENOMATOUS POLYPOSIS 1, ATTENUATED; POLYPOSIS, ADENOMATOUS INTESTINAL. Identifiers: MedGen C2713442, MONDO:0021056, OMIM 175100. Disease mechanism: loss of function.

Allele frequency attached by ClinVar (database versions not stated): gnomAD exomes below 0.00001 and 0.00001; TOPMed 0.00002.
gnomAD v4.1: 15 of 1,614,184 alleles (0.00093%); highest among the groups gnomAD compares: Non-Finnish European, 0.0011%; no homozygotes.

Submissions (11):

St. Jude Molecular Pathology, St. Jude Children's Research Hospital
Classification: Uncertain significance for Familial adenomatous polyposis 1. Last evaluated: 2026-10-01. Review status: criteria provided, single submitter. Criteria: St. Jude Assertion Criteria 2020. Collection method: clinical testing. Allele origin: germline.
Comment: The APC c.2483C>T p.(Thr828Ile) missense change has a m aximum subpopulation frequency of 0.0009% in gnomAD v2.1.1. The in silico tool REVEL is inconclusive about a pathogenic or benign effect of this variant on protein function, and to our knowledge functional studies hav e not been performed. To our knowledge, this variant has not been reported in the literature in individuals with APC-related disease. In summary, the evidence currently available is insufficient to determine the clinical significance of this variant. It has therefore been classified as of uncertain significance.

Ambry Genetics
Classification: Uncertain significance for Hereditary cancer-predisposing syndrome. Last evaluated: 2026-06-22. Review status: criteria provided, single submitter. Criteria: Ambry Variant Classification Scheme 2023. Collection method: clinical testing. Allele origin: germline.
Comment: The p.T828I variant (also known as c.2483C>T), located in coding exon 15 of the APC gene, results from a C to T substitution at nucleotide position 2483. The threonine at codon 828 is replaced by isoleucine, an amino acid with similar properties. This variant was reported in individual(s) with features consistent with APC-related familial adenomatous polyposis (Ambry internal data). This amino acid position is not well conserved in available vertebrate species. In addition, in silico predictors for this gene do not accurately predict pathogenicity. Missense variants in APC are not a common cause of disease (Spier I et al. Genet Med. 2024 Feb;26(2):100992). Based on the available evidence, the clinical significance of this variant remains unclear.

Labcorp Genetics (formerly Invitae), Labcorp
Classification: Uncertain significance for Familial adenomatous polyposis 1. Last evaluated: 2025-12-17. Review status: criteria provided, single submitter. Criteria: Invitae Variant Classification Sherloc (09022015). Collection method: clinical testing. Allele origin: germline.
Comment: This sequence change replaces threonine, which is neutral and polar, with isoleucine, which is neutral and non-polar, at codon 828 of the APC protein (p.Thr828Ile). This variant is present in population databases (rs786203696, gnomAD 0.0009%). This variant has not been reported in the literature in individuals affected with APC-related conditions. ClinVar contains an entry for this variant (Variation ID: 187390). Invitae Evidence Modeling of protein sequence and biophysical properties (such as structural, functional, and spatial information, amino acid conservation, physicochemical variation, residue mobility, and thermodynamic stability) indicates that this missense variant is not expected to disrupt APC protein function with a negative predictive value of 95%. In summary, the available evidence is currently insufficient to determine the role of this variant in disease. Therefore, it has been classified as a Variant of Uncertain Significance.

Color Diagnostics, LLC DBA Color Health
Classification: Likely benign for Hereditary cancer-predisposing syndrome. Last evaluated: 2025-02-10. Review status: criteria provided, single submitter. Criteria: ACMG Guidelines, 2015. Collection method: clinical testing. Allele origin: germline.

All of Us Research Program, National Institutes of Health
Classification: Uncertain significance for Classic or attenuated familial adenomatous polyposis. Last evaluated: 2024-04-10. Review status: criteria provided, single submitter. Criteria: ACMG Guidelines, 2015. Collection method: clinical testing. Allele origin: germline. Inheritance: Autosomal dominant inheritance. Observed: 7 variant alleles, 7 heterozygotes.
Comment: This missense variant replaces threonine with isoleucine at codon 828 of the APC protein. Computational prediction suggests that this variant may not impact protein structure and function (internally defined REVEL score threshold <= 0.5, PMID: 27666373). To our knowledge, functional studies have not been reported for this variant. This variant has not been reported in individuals affected with APC-related disorders in the literature. This variant has been reported in an individual affected with breast cancer (PMID: 25186627).This variant has been identified in 1/251040 chromosomes in the general population by the Genome Aggregation Database (gnomAD). The available evidence is insufficient to determine the role of this variant in disease conclusively. Therefore, this variant is classified as a Variant of Uncertain Significance.

This study involves interpretation of variants in research participants for the purpose of population health screening. Participant phenotype was not available at the time of variant classification. Additional details can be found in publication PMID: 35346344, PMCID: PMC8962531

Baylor Genetics
Classification: Uncertain significance for Familial adenomatous polyposis 1. Last evaluated: 2024-01-09. Review status: criteria provided, single submitter. Criteria: ACMG Guidelines, 2015. Collection method: clinical testing. Allele origin: unknown.

GeneDx
Classification: Uncertain significance. Last evaluated: 2023-12-05. Review status: criteria provided, single submitter. Criteria: GeneDx Variant Classification Process June 2021. Collection method: clinical testing. Allele origin: germline. Affected: yes.
Comment: Not observed at significant frequency in large population cohorts (gnomAD); In silico analysis supports that this missense variant has a deleterious effect on protein structure/function; Observed in an individual with breast cancer (PMID: 25186627); This variant is associated with the following publications: (PMID: 36118902, 30122538, 25186627)

Myriad Genetics, Inc.
Classification: Uncertain significance for Familial adenomatous polyposis 1. Last evaluated: 2023-02-16. Review status: criteria provided, single submitter. Criteria: Myriad Autosomal Dominant, Autosomal Recessive and X-Linked Classification Criteria (2023). Collection method: clinical testing. Allele origin: unknown.
Comment: This variant is classified as a variant of uncertain significance as there is insufficient evidence to determine its impact on protein function and/or cancer risk.

Women's Health and Genetics/Laboratory Corporation of America, LabCorp
Classification: Uncertain significance. Last evaluated: 2021-05-03. Review status: criteria provided, single submitter. Criteria: LabCorp Variant Classification Summary - May 2015. Collection method: clinical testing. Allele origin: germline.
Comment: Variant summary: APC c.2483C>T (p.Thr828Ile) results in a non-conservative amino acid change in the encoded protein sequence. Three of five in-silico tools predict a benign effect of the variant on protein function. The variant allele was found at a frequency of 4e-06 in 251040 control chromosomes. The available data on variant occurrences in the general population are insufficient to allow any conclusion about variant significance. c.2483C>T has been reported in the literature in an individual affected with breast cancer undergoing multigene panel testing (example Tung_2015). This report does not provide unequivocal conclusions about association of the variant with Familial Adenomatous Polyposis. At-least one co-occurrence with another pathogenic variant has been observed at our laboratory (PALB2 c.196C>T, p.Gln66*), providing supporting evidence for a benign role. To our knowledge, no experimental evidence demonstrating an impact on protein function has been reported. Five clinical diagnostic laboratories have submitted clinical-significance assessments for this variant to ClinVar after 2014 without evidence for independent evaluation. All laboratories classified the variant as uncertain significance. Based on the evidence outlined above, the variant was classified as uncertain significance.

Quest Diagnostics Nichols Institute San Juan Capistrano
Classification: Uncertain significance. Last evaluated: 2019-02-13. Review status: criteria provided, single submitter. Criteria: Quest Diagnostics criteria. Collection method: clinical testing. Allele origin: germline.

Counsyl
Classification: Uncertain significance for Familial adenomatous polyposis 1. Last evaluated: 2015-11-18. Review status: no assertion criteria provided. Collection method: clinical testing. Allele origin: unknown. Not counted in ClinVar's aggregate classification.

Literature cited by the submitters: PubMed 25186627 (cited by 4 submitters); PubMed 30122538 (cited by Quest Diagnostics Nichols Institute San Juan Capistrano).

NM_000038.6(APC):c.2483C>T (p.Thr828Ile)

Gene: APC (APC regulator of Wnt signaling pathway; plus strand). Cytogenetic location: 5q22.2.
Variant type: single nucleotide variant.
Coding change: c.2483C>T on transcript NM_000038.6 (MANE Select); coding-DNA position 2483, C replaced by T.
Protein change: p.Thr828Ile; replaces threonine 828 with isoleucine.
Molecular consequence: missense variant.
Genome position (GRCh38, 1-based): chr5:112,838,077, C>T. VCF-style: chr5-112838077-C-T. GRCh37 (hg19) VCF-style: chr5-112173774-C-T.
Other names: c.2483C>T, p.Thr828Ile (NM_001127510.3, NM_001354895.2); c.2429C>T, p.Thr810Ile (NM_001127511.3); c.2537C>T, p.Thr846Ile (NM_001354896.2); c.2513C>T, p.Thr838Ile (NM_001354897.2); c.2408C>T, p.Thr803Ile (NM_001354898.2); c.2399C>T, p.Thr800Ile (NM_001354899.2); c.2360C>T, p.Thr787Ile (NM_001354900.2); c.2306C>T, p.Thr769Ile (NM_001354901.2); and 5 more; short protein forms T810I, T828I, T545I, T787I, T668I, T769I, T803I, T800I.
Identifiers: ClinVar variation 187390 (VCV000187390.33), dbSNP rs786203696, ClinGen allele CA007517.
Genomic context (GRCh38, chr5:112,838,077, plus strand): 5'-ATAATAGGTCAGACAATTTTAATACTGGCAACATGACTGTCCTTTCACCATATTTGAATA[C>T]TACAGTGTTACCCAGCTCCTCTTCATCAAGAGGAAGCTTAGATAGTTCTCGTTCTGAAAA-3'
Protein context (NP_000029.2, residues 818-838): NMTVLSPYLN[Thr828Ile]TVLPSSSSSR